The following is an entry in ClinVar:

NM_017534.6(MYH2):c.2062+8A>G

Genes: MYHAS (myosin heavy chain gene cluster antisense RNA; plus strand), MYH2 (myosin heavy chain 2; minus strand). Cytogenetic location: 17p13.1.
Variant type: single nucleotide variant.
Coding change: c.2062+8A>G on transcript NM_017534.6 (MANE Select); 8 bases into the intron after coding-DNA position 2062, A replaced by G.
Molecular consequence: intron variant.
Genome position (GRCh38, 1-based): chr17:10,535,270, T>C on the plus strand (A>G on the coding strand, the complement: MYH2 is on the minus strand). VCF-style: chr17-10535270-T-C. GRCh37 (hg19) VCF-style: chr17-10438587-T-C.
Other names: c.2062+8A>G (NM_001100112.2).
Identifiers: ClinVar variation 534361 (VCV000534361.17), dbSNP rs117562194, ClinGen allele CA8391228.

ClinVar aggregate classification (germline): Benign/Likely benign. Review status: criteria provided, multiple submitters, no conflicts (2 of 4 stars). 3 submissions from 3 submitters: Benign (2); Likely benign (1). Last evaluated 2026-01-19.

Conditions:
Myopathy, proximal, and ophthalmoplegia (CMYO6). Also called: MYOPATHY WITH CONGENITAL JOINT CONTRACTURES, OPHTHALMOPLEGIA, AND RIMMED VACUOLES; INCLUSION BODY MYOPATHY 3, AUTOSOMAL DOMINANT; CONGENITAL MYOPATHY 6 WITH OPHTHALMOPLEGIA. Identifiers: Orphanet 363677, Orphanet 79091, MedGen C1854106, MONDO:0011577, OMIM 605637.

Allele frequency attached by ClinVar (database versions not stated): ESP Exome Variant Server 0.00008; gnomAD 0.00039 and 0.00056; gnomAD exomes 0.00060 and 0.00127; TOPMed 0.00073; ExAC 0.00123; 1000 Genomes Project 30x 0.00312; 1000 Genomes Project 0.00339.

Submissions (3):

Labcorp Genetics (formerly Invitae), Labcorp
Classification: Benign for Myopathy, proximal, and ophthalmoplegia. Last evaluated: 2026-01-19. Review status: criteria provided, single submitter. Criteria: Invitae Variant Classification Sherloc (09022015). Collection method: clinical testing. Allele origin: germline.

GeneDx
Classification: Likely benign. Last evaluated: 2019-02-21. Review status: criteria provided, single submitter. Criteria: GeneDx Variant Classification Process June 2021. Collection method: clinical testing. Allele origin: germline. Affected: yes.

Illumina Laboratory Services, Illumina
Classification: Benign for Myopathy, proximal, and ophthalmoplegia. Last evaluated: 2018-01-12. Review status: criteria provided, single submitter. Criteria: ICSL Variant Classification Criteria 13 December 2019. Collection method: clinical testing. Allele origin: germline.
Comment: This variant was observed in the ICSL laboratory as part of a predisposition screen in an ostensibly healthy population. It had not been previously curated by ICSL or reported in the Human Gene Mutation Database (HGMD: prior to June 1st, 2018), and was therefore a candidate for classification through an automated scoring system. Utilizing variant allele frequency, disease prevalence and penetrance estimates, and inheritance mode, an automated score was calculated to assess if this variant is too frequent to cause the disease. Based on the score and internal cut-off values, a variant classified as benign is not then subjected to further curation. The score for this variant resulted in a classification of benign for this disease.